The following is an entry in ClinVar:

NM_001267550.2(TTN):c.59926+2T>C

Genes: TTN-AS1 (TTN antisense RNA 1; plus strand), TTN (titin; minus strand), LOC126806424 (CDK7 strongly-dependent group 2 enhancer GRCh37_chr2:179456337-179457536; plus strand). Cytogenetic location: 2q31.2.
Variant type: single nucleotide variant.
Coding change: c.59926+2T>C on transcript NM_001267550.2 (MANE Select); the canonical splice donor site of the intron after coding-DNA position 59926, T replaced by C.
Molecular consequence: splice donor variant.
Genome position (GRCh38, 1-based): chr2:178,591,976, A>G on the plus strand (T>C on the coding strand, the complement: TTN is on the minus strand). VCF-style: chr2-178591976-A-G. GRCh37 (hg19) VCF-style: chr2-179456703-A-G.
Other names: c.32731+2T>C (NM_003319.4); c.33307+2T>C (NM_133437.4); c.33106+2T>C (NM_133432.3); c.52222+2T>C (NM_133378.4); c.55003+2T>C (NM_001256850.1).
Identifiers: ClinVar variation 3376686 (VCV003376686.1).

ClinVar aggregate classification (germline): Likely pathogenic (1 of 4 stars; one submission).

Conditions:
Dilated cardiomyopathy 1G (CMD1G). Identifiers: Orphanet 154, MedGen C1858763, MONDO:0011400, OMIM 604145.

Submission:

Victorian Clinical Genetics Services, Murdoch Childrens Research Institute
Classification: Likely pathogenic for Dilated cardiomyopathy 1G. Last evaluated: 2022-02-02. Review status: criteria provided, single submitter. Criteria: ACMG Guidelines, 2015. Collection method: clinical testing. Allele origin: germline. Inheritance: Autosomal dominant inheritance. Affected: yes.
Comment: Based on the classification scheme VCGS_Germline_v1.3.4, this variant is classified as Likely pathogenic. Following criteria are met: 0102 - Loss of function is known mechanism of disease in this gene. In addition, dominant-negative is also a suggested mechanism. (PMID: 25589632). (I) 0108 - This gene is associated with both recessive and dominant disease (OMIM). (I) 0112 - The condition associated with this gene has incomplete penetrance. Variants in this gene that result in a premature truncating codon (PTC) are known to have reduced penetrance in DCM (PMID: 25589632). (I) 0211 - Canonical splice site variant without proven consequence on splicing (no functional evidence available). (SP) 0251 - This variant is heterozygous. (I) 0301 - Variant is absent from gnomAD (both v2 and v3). (SP) 0505 - Abnormal splicing is predicted by in silico tools and affected nucleotide is highly conserved. (SP) 0703 - Another canonical splice site variant comparable to the one identified in this case has moderate previous evidence for pathogenicity. The c.59926+1G>A canonical splice variant has been identified in multiple individuals with dilated cardiomyopathy and has been described as a Dutch founder mutation (ClinVar; PMIDs: 27813223, 29057560, 34011823). (SP) 0807 - This variant has no previous evidence of pathogenicity. (I) 0905 - No published segregation evidence has been identified for this variant. (I) 1007 - No published functional evidence has been identified for this variant. (I) 1208 - Inheritance information for this variant is not currently available in this individual. (I) Legend: (SP) - Supporting pathogenic, (I) - Information, (SB) - Supporting benign

Literature cited by the submitters: PubMed 25589632; PubMed 27813223; PubMed 29057560; PubMed 34011823.